The following is an entry in ClinVar:

NM_000091.5(COL4A3):c.2384G>A (p.Gly795Glu)

Genes: COL4A3 (collagen type IV alpha 3 chain; plus strand), MFF-DT (MFF divergent transcript; minus strand). Cytogenetic location: 2q36.3.
Variant type: single nucleotide variant.
Coding change: c.2384G>A on transcript NM_000091.5 (MANE Select); coding-DNA position 2384, G replaced by A.
Protein change: p.Gly795Glu; replaces glycine 795 with glutamic acid.
Molecular consequence: missense variant.
Genome position (GRCh38, 1-based): chr2:227,280,902, G>A. VCF-style: chr2-227280902-G-A. GRCh37 (hg19) VCF-style: chr2-228145618-G-A.
Other names: short protein forms G795E.
Identifiers: ClinVar variation 3066280 (VCV003066280.3), dbSNP rs2469758704, ClinGen allele CA350849372.

ClinVar aggregate classification (germline): Likely pathogenic. Review status: criteria provided, multiple submitters, no conflicts (2 of 4 stars). 3 submissions from 3 submitters: Likely pathogenic (3). Last evaluated 2024-01-04.

Conditions:
Autosomal dominant Alport syndrome (ATS3A). Also called: ALPORT SYNDROME 3A, AUTOSOMAL DOMINANT; Alport syndrome dominant type; Renal failure and sensorineural hearing loss. Identifiers: Orphanet 63, Orphanet 88918, MedGen C5882663, MONDO:0007086, OMIM 104200.
COL4A3-related disorder. Also called: COL4A3-related condition; COL4A3-Related Disorders.
Hematuria, benign familial, 2 (BFH2). Identifiers: MedGen C5830421, MONDO:0958186, OMIM 620320.
Alport syndrome 3b, autosomal recessive. Identifiers: MedGen C5882699, MONDO:0957811, OMIM 620536.

Submissions (3):

Fulgent Genetics
Classification: Likely pathogenic for Autosomal dominant Alport syndrome; Hematuria, benign familial, 2; Alport syndrome 3b, autosomal recessive. Last evaluated: 2024-01-04. Review status: criteria provided, single submitter. Criteria: ACMG Guidelines, 2015. Collection method: clinical testing. Allele origin: germline.

MVZ Medizinische Genetik Mainz
Classification: Likely pathogenic for Autosomal dominant Alport syndrome. Last evaluated: 2023-04-28. Review status: criteria provided, single submitter. Criteria: UK Practice Guidelines For Variant Classification V4 01 2020. Collection method: clinical testing. Allele origin: germline. Inheritance: Autosomal dominant inheritance. Observed: 1 variant allele.
Comment: ACMG Criteria: PM1_STR,PM5,PM2_SUP,PP4

Blueprint Genetics
Classification: Likely pathogenic for COL4A3-related disorders. Last evaluated: 2018-09-17. Review status: criteria provided, single submitter. Criteria: ACMG Guidelines, 2015. Collection method: clinical testing. Allele origin: germline. Affected: yes. Observed: 1 variant allele.